The following is an entry in ClinVar:

ClinVar aggregate classification (germline): Uncertain significance (1 of 4 stars; one submission).

Conditions:
Hereditary spastic paraplegia 11. Also called: SPASTIC PARAPLEGIA, AUTOSOMAL RECESSIVE, COMPLICATED, WITH THIN CORPUS CALLOSUM; SPASTIC PARAPLEGIA, AUTOSOMAL RECESSIVE, WITH MENTAL IMPAIRMENT AND THIN CORPUS CALLOSUM; Nakamura Osame syndrome; Autosomal recessive hereditary spastic paraplegia, mental impairment, and thin corpus callosum; Spastic paraplegia, mental retardation and thin corpus callosum; Spastic Paraplegia 11. Identifiers: Orphanet 2822, MedGen C1858479, MONDO:0011445, OMIM 604360.

Allele frequency attached by ClinVar (database versions not stated): gnomAD exomes below 0.00001.

Submission:

Labcorp Genetics (formerly Invitae), Labcorp
Classification: Uncertain significance for Hereditary spastic paraplegia 11. Last evaluated: 2023-11-06. Review status: criteria provided, single submitter. Criteria: Invitae Variant Classification Sherloc (09022015). Collection method: clinical testing. Allele origin: germline.
Comment: This sequence change replaces methionine, which is neutral and non-polar, with valine, which is neutral and non-polar, at codon 1355 of the SPG11 protein (p.Met1355Val). This variant is not present in population databases (gnomAD no frequency). This variant has not been reported in the literature in individuals affected with SPG11-related conditions. ClinVar contains an entry for this variant (Variation ID: 1419353). Advanced modeling of protein sequence and biophysical properties (such as structural, functional, and spatial information, amino acid conservation, physicochemical variation, residue mobility, and thermodynamic stability) performed at Invitae indicates that this missense variant is not expected to disrupt SPG11 protein function with a negative predictive value of 80%. In summary, the available evidence is currently insufficient to determine the role of this variant in disease. Therefore, it has been classified as a Variant of Uncertain Significance.

NM_025137.4(SPG11):c.4063A>G (p.Met1355Val)

Gene: SPG11 (SPG11 vesicle trafficking associated, spatacsin; minus strand). Cytogenetic location: 15q21.1.
Variant type: single nucleotide variant.
Coding change: c.4063A>G on transcript NM_025137.4 (MANE Select); coding-DNA position 4063, A replaced by G.
Protein change: p.Met1355Val; replaces methionine 1355 with valine.
Molecular consequence: missense variant.
Genome position (GRCh38, 1-based): chr15:44,596,882, T>C on the plus strand (A>G on the coding strand, the complement: SPG11 is on the minus strand). VCF-style: chr15-44596882-T-C. GRCh37 (hg19) VCF-style: chr15-44889080-T-C.
Other names: c.4063A>G, p.Met1355Val (NM_001160227.2); short protein forms M1355V.
Identifiers: ClinVar variation 1419353 (VCV001419353.7), dbSNP rs2140973745, ClinGen allele CA392229113.